The following is an entry in ClinVar:

NM_139076.3(ABRAXAS1):c.615A>T (p.Glu205Asp)

Gene: ABRAXAS1 (abraxas 1, BRCA1 A complex subunit; minus strand). Cytogenetic location: 4q21.23.
Variant type: single nucleotide variant.
Coding change: c.615A>T on transcript NM_139076.3 (MANE Select); coding-DNA position 615, A replaced by T.
Protein change: p.Glu205Asp; replaces glutamic acid 205 with aspartic acid.
Molecular consequence: missense variant.
Genome position (GRCh38, 1-based): chr4:83,467,520, T>A on the plus strand (A>T on the coding strand, the complement: ABRAXAS1 is on the minus strand). VCF-style: chr4-83467520-T-A. GRCh37 (hg19) VCF-style: chr4-84388673-T-A.
Other names: c.288A>T, p.Glu96Asp (NM_001345962.2); short protein forms E205D, E96D.
Identifiers: ClinVar variation 1799644 (VCV001799644.2), dbSNP rs1476428279, ClinGen allele CA357258901.

ClinVar aggregate classification (germline): Uncertain significance (1 of 4 stars; one submission).

Allele frequency attached by ClinVar (database versions not stated): gnomAD exomes below 0.00001; TOPMed below 0.00001.

Submission:

Ambry Genetics
Classification: Uncertain significance. Last evaluated: 2024-03-28. Review status: criteria provided, single submitter. Criteria: Ambry Variant Classification Scheme 2023. Collection method: clinical testing. Allele origin: germline.
Comment: The p.E205D variant (also known as c.615A>T), located in coding exon 7 of the FAM175A gene, results from an A to T substitution at nucleotide position 615. The glutamic acid at codon 205 is replaced by aspartic acid, an amino acid with highly similar properties. This amino acid position is conserved. In addition, this alteration is predicted to be tolerated by in silico analysis. Since supporting evidence is limited at this time, the clinical significance of this alteration remains unclear.